The following is an entry in ClinVar:

ClinVar aggregate classification (germline): Likely benign. Review status: criteria provided, multiple submitters, no conflicts (2 of 4 stars). 3 submissions from 3 submitters: Likely benign (2). 1 of the submissions does not count toward it. Last evaluated 2026-08-24.

Conditions:
Vanishing white matter disease. Also called: Childhood ataxia with diffuse central nervous system hypomyelination; Leukoencephalopathy with vanishing white matter; CACH/VWM syndrome; Cree leukoencehalopathy; CACH syndrome. Identifiers: Orphanet 135, Orphanet 99853, MedGen C1858991, MONDO:0800448.
EIF2B5-related disorder. Also called: EIF2B5-related condition.

Allele frequency attached by ClinVar (database versions not stated): gnomAD exomes 0.00024 and 0.00009; 1000 Genomes Project 0.00080; 1000 Genomes Project 30x 0.00094; gnomAD 0.00001 and 0.00009; TOPMed 0.00003; ExAC 0.00023.
gnomAD v4.1: 151 of 1,614,110 alleles (0.0094%); highest among the groups gnomAD compares: South Asian, 0.14%; 1 homozygote.

Submissions (3):

PreventionGenetics, part of Exact Sciences
Classification: Likely benign for EIF2B5-related condition. Last evaluated: 2026-08-24. Review status: criteria provided, single submitter. Criteria: ACMG Guidelines, 2015. Collection method: clinical testing. Allele origin: germline.
Comment: This variant is classified as likely benign based on ACMG/AMP sequence variant interpretation guidelines (Richards et al. 2015 PMID: 25741868, with internal and published modifications).

Labcorp Genetics (formerly Invitae), Labcorp
Classification: Likely benign. Last evaluated: 2026-01-19. Review status: criteria provided, single submitter. Criteria: Invitae Variant Classification Sherloc (09022015). Collection method: clinical testing. Allele origin: germline.

Natera, Inc.
Classification: Likely benign for Leukoencephalopathy with vanishing white matter. Last evaluated: 2020-10-16. Review status: no assertion criteria provided. Collection method: clinical testing. Allele origin: germline. Not counted in ClinVar's aggregate classification.

NM_003907.3(EIF2B5):c.1329G>A (p.Leu443=)

Gene: EIF2B5 (eukaryotic translation initiation factor 2B subunit epsilon; plus strand). Cytogenetic location: 3q27.1.
Variant type: single nucleotide variant.
Coding change: c.1329G>A on transcript NM_003907.3 (MANE Select); coding-DNA position 1329, G replaced by A.
Protein change: p.Leu443=; no amino-acid change (leucine 443 retained).
Molecular consequence: synonymous variant.
Genome position (GRCh38, 1-based): chr3:184,142,263, G>A. VCF-style: chr3-184142263-G-A. GRCh37 (hg19) VCF-style: chr3-183860051-G-A.
Identifiers: ClinVar variation 790824 (VCV000790824.13), dbSNP rs531966163, ClinGen allele CA2726661.